The following is an entry in ClinVar:

ClinVar aggregate classification (germline): Uncertain significance (1 of 4 stars; one submission).

Conditions:
Hereditary pancreatitis (PCTT). Also called: Hereditary chronic pancreatitis; PRSS1-Related Hereditary Pancreatitis. Identifiers: Orphanet 676, MedGen C0238339, MONDO:0008185, OMIM 167800.

Submission:

Labcorp Genetics (formerly Invitae), Labcorp
Classification: Uncertain significance for Hereditary pancreatitis. Last evaluated: 2025-04-22. Review status: criteria provided, single submitter. Criteria: Invitae Variant Classification Sherloc (09022015). Collection method: clinical testing. Allele origin: germline.
Comment: This sequence change replaces cysteine, which is neutral and slightly polar, with glycine, which is neutral and non-polar, at codon 155 of the CTRC protein (p.Cys155Gly). This variant is not present in population databases (gnomAD no frequency). This variant has not been reported in the literature in individuals affected with CTRC-related conditions. Invitae Evidence Modeling of protein sequence and biophysical properties (such as structural, functional, and spatial information, amino acid conservation, physicochemical variation, residue mobility, and thermodynamic stability) has been performed for this missense variant. However, the output from this modeling did not meet the statistical confidence thresholds required to predict the impact of this variant on CTRC protein function. In summary, the available evidence is currently insufficient to determine the role of this variant in disease. Therefore, it has been classified as a Variant of Uncertain Significance.

NM_007272.3(CTRC):c.463T>G (p.Cys155Gly)

Gene: CTRC (chymotrypsin C; plus strand). Cytogenetic location: 1p36.21.
Variant type: single nucleotide variant.
Coding change: c.463T>G on transcript NM_007272.3 (MANE Select); coding-DNA position 463, T replaced by G.
Protein change: p.Cys155Gly; replaces cysteine 155 with glycine.
Molecular consequence: missense variant.
Genome position (GRCh38, 1-based): chr1:15,443,525, T>G. VCF-style: chr1-15443525-T-G. GRCh37 (hg19) VCF-style: chr1-15770020-T-G.
Other names: short protein forms C155G.
Identifiers: ClinVar variation 4753147 (VCV004753147.1).